The following is an entry in ClinVar:

ClinVar aggregate classification (germline): Pathogenic (1 of 4 stars; one submission).

Conditions:
Wilson disease (WND). Also called: Wilson's disease. Identifiers: Orphanet 905, MedGen C0019202, MONDO:0010200, OMIM 277900. Disease mechanism: loss of function.

Submission:

Biologia e Medicina Molecolare, Sapienza University of Rome
Classification: Pathogenic for Wilson disease. Last evaluated: 2017-08-30. Review status: criteria provided, single submitter. Criteria: Submitter's publication. Collection method: research. Allele origin: somatic. Inheritance: Autosomal recessive inheritance. Affected: yes. Observed: 1 variant allele, 1 compound heterozygote.
Comment: Multiple affected and carrier patients in one pedigree with mentioned mutations which confirmed by segregation analysis and patients have hepatic and neurologic manifestations.

NM_000053.3(ATP7B):c.[1924G>C];[3809A>G]

Variant type: CompoundHeterozygote.
Identifiers: ClinVar variation 437912 (VCV000437912.4).